The following is an entry in ClinVar:

ClinVar aggregate classification (germline): Conflicting classifications of pathogenicity. Review status: criteria provided, conflicting classifications (1 of 4 stars). 7 submissions from 7 submitters: Uncertain significance (5); Likely benign (1). 1 of the submissions does not count toward it. Last evaluated 2025-05-13.

Conditions:
Cardiovascular phenotype. Identifiers: MedGen CN230736.
Alstrom syndrome (ALMS). Identifiers: Orphanet 64, MedGen C0268425, MONDO:0008763, OMIM 203800.

Allele frequency attached by ClinVar (database versions not stated): TOPMed 0.00012; ExAC 0.00019; 1000 Genomes Project 0.00020; gnomAD exomes 0.00021 and 0.00004; 1000 Genomes Project 30x 0.00031; gnomAD 0.00001 and 0.00002.
gnomAD v4.1: 59 of 1,613,842 alleles (0.0037%); highest among the groups gnomAD compares: Admixed American, 0.087%; no homozygotes.

Submissions (7):

GeneDx
Classification: Uncertain significance. Last evaluated: 2025-05-13. Review status: criteria provided, single submitter. Criteria: GeneDx Variant Classification Process June 2021. Collection method: clinical testing. Allele origin: germline. Affected: yes.
Comment: In silico analysis indicates that this missense variant does not alter protein structure/function; Has not been previously published as pathogenic or benign to our knowledge

Ambry Genetics
Classification: Likely benign for Cardiovascular phenotype. Last evaluated: 2023-02-24. Review status: criteria provided, single submitter. Criteria: Ambry Variant Classification Scheme 2023. Collection method: clinical testing. Allele origin: germline.

Labcorp Genetics (formerly Invitae), Labcorp
Classification: Uncertain significance for Alstrom syndrome. Last evaluated: 2022-10-17. Review status: criteria provided, single submitter. Criteria: Invitae Variant Classification Sherloc (09022015). Collection method: clinical testing. Allele origin: germline.
Comment: This sequence change replaces arginine, which is basic and polar, with glutamine, which is neutral and polar, at codon 2277 of the ALMS1 protein (p.Arg2277Gln). This variant is present in population databases (rs200979896, gnomAD 0.1%). This variant has not been reported in the literature in individuals affected with ALMS1-related conditions. ClinVar contains an entry for this variant (Variation ID: 451941). Experimental studies and prediction algorithms are not available or were not evaluated, and the functional significance of this variant is currently unknown. In summary, the available evidence is currently insufficient to determine the role of this variant in disease. Therefore, it has been classified as a Variant of Uncertain Significance.

Blueprint Genetics
Classification: Uncertain significance. Last evaluated: 2022-10-05. Review status: criteria provided, single submitter. Criteria: ACMG Guidelines, 2015. Collection method: clinical testing. Allele origin: germline.

Fulgent Genetics
Classification: Uncertain significance for Alstrom syndrome. Last evaluated: 2021-11-27. Review status: criteria provided, single submitter. Criteria: ACMG Guidelines, 2015. Collection method: clinical testing. Allele origin: unknown.

Eurofins Ntd Llc (ga)
Classification: Uncertain significance. Last evaluated: 2016-12-29. Review status: criteria provided, single submitter. Criteria: EGL Classification Definitions 2015. Collection method: clinical testing. Allele origin: germline. Observed: 1 variant allele, 1 heterozygote.

Natera, Inc.
Classification: Uncertain significance for Alstrom syndrome. Last evaluated: 2020-01-17. Review status: no assertion criteria provided. Collection method: clinical testing. Allele origin: germline. Not counted in ClinVar's aggregate classification.

NM_001378454.1(ALMS1):c.6827G>A (p.Arg2276Gln)

Gene: ALMS1 (ALMS1 centrosome and basal body associated protein; plus strand). Cytogenetic location: 2p13.1.
Variant type: single nucleotide variant.
Coding change: c.6827G>A on transcript NM_001378454.1 (MANE Select); coding-DNA position 6827, G replaced by A.
Protein change: p.Arg2276Gln; replaces arginine 2276 with glutamine.
Molecular consequence: missense variant.
Genome position (GRCh38, 1-based): chr2:73,453,354, G>A. VCF-style: chr2-73453354-G-A. GRCh37 (hg19) VCF-style: chr2-73680481-G-A.
Other names: c.6830G>A, p.Arg2277Gln (NM_015120.4); short protein forms R2277Q, R2276Q.
Identifiers: ClinVar variation 451941 (VCV000451941.16), dbSNP rs200979896, ClinGen allele CA1714130.
Genomic context (GRCh38, chr2:73,453,354, plus strand): 5'-CTAAAACTCTTAAGGAAATTCGGACACTTTTGATGGAGGCAGAAAATATGGCACTGAAAC[G>A]ATGCAATTTTCCTGCTCCCCTTGCCCGTTTCAGAGATATTAGTGATATTTCATTTATACA-3'
Protein context (NP_001365383.1, residues 2266-2286): LMEAENMALK[Arg2276Gln]CNFPAPLARF